The following is an entry in ClinVar:

NM_001378454.1(ALMS1):c.6024A>C (p.Lys2008Asn)

Gene: ALMS1 (ALMS1 centrosome and basal body associated protein; plus strand). Cytogenetic location: 2p13.1.
Variant type: single nucleotide variant.
Coding change: c.6024A>C on transcript NM_001378454.1 (MANE Select); coding-DNA position 6024, A replaced by C.
Protein change: p.Lys2008Asn; replaces lysine 2008 with asparagine.
Molecular consequence: missense variant.
Genome position (GRCh38, 1-based): chr2:73,452,551, A>C. VCF-style: chr2-73452551-A-C. GRCh37 (hg19) VCF-style: chr2-73679678-A-C.
Other names: c.6027A>C, p.Lys2009Asn (NM_015120.4); short protein forms K2008N, K2009N.
Identifiers: ClinVar variation 943706 (VCV000943706.9), dbSNP rs1671969063, ClinGen allele CA347284488.

ClinVar aggregate classification (germline): Uncertain significance. Review status: criteria provided, multiple submitters, no conflicts (2 of 4 stars). 3 submissions from 3 submitters: Uncertain significance (3). Last evaluated 2023-06-16.

Conditions:
Cardiovascular phenotype. Identifiers: MedGen CN230736.
Alstrom syndrome (ALMS). Identifiers: Orphanet 64, MedGen C0268425, MONDO:0008763, OMIM 203800.

Submissions (3):

Ambry Genetics
Classification: Uncertain significance for Cardiovascular phenotype. Last evaluated: 2023-06-16. Review status: criteria provided, single submitter. Criteria: Ambry Variant Classification Scheme 2023. Collection method: clinical testing. Allele origin: germline.
Comment: The p.K2009N variant (also known as c.6027A>C), located in coding exon 8 of the ALMS1 gene, results from an A to C substitution at nucleotide position 6027. The lysine at codon 2009 is replaced by asparagine, an amino acid with similar properties. This amino acid position is not well conserved in available vertebrate species. In addition, this alteration is predicted to be tolerated by in silico analysis. Since supporting evidence is limited at this time, the clinical significance of this alteration remains unclear.

Fulgent Genetics
Classification: Uncertain significance for Alstrom syndrome. Last evaluated: 2021-09-07. Review status: criteria provided, single submitter. Criteria: ACMG Guidelines, 2015. Collection method: clinical testing. Allele origin: unknown.

Labcorp Genetics (formerly Invitae), Labcorp
Classification: Uncertain significance for Alstrom syndrome. Last evaluated: 2021-08-27. Review status: criteria provided, single submitter. Criteria: Invitae Variant Classification Sherloc (09022015). Collection method: clinical testing. Allele origin: germline.